The following is an entry in ClinVar:

NM_001267550.2(TTN):c.53280A>G (p.Glu17760=)

Genes: TTN (titin; minus strand), TTN-AS1 (TTN antisense RNA 1; plus strand), LOC126806425 (BRD4-independent group 4 enhancer GRCh37_chr2:179471933-179473132; plus strand). Cytogenetic location: 2q31.2.
Variant type: single nucleotide variant.
Coding change: c.53280A>G on transcript NM_001267550.2 (MANE Select); coding-DNA position 53280, A replaced by G.
Protein change: p.Glu17760=; no amino-acid change (glutamic acid 17760 retained).
Molecular consequence: synonymous variant.
Genome position (GRCh38, 1-based): chr2:178,607,408, T>C on the plus strand (A>G on the coding strand, the complement: TTN is on the minus strand). VCF-style: chr2-178607408-T-C. GRCh37 (hg19) VCF-style: chr2-179472135-T-C.
Other names: c.48357A>G, p.Glu16119= (NM_001256850.1); c.26085A>G, p.Glu8695= (NM_003319.4); c.45576A>G, p.Glu15192= (NM_133378.4); c.26460A>G, p.Glu8820= (NM_133432.3); c.26661A>G, p.Glu8887= (NM_133437.4).
Identifiers: ClinVar variation 2938288 (VCV002938288.4), dbSNP rs2470287266, ClinGen allele CA430270626.

ClinVar aggregate classification (germline): Conflicting classifications of pathogenicity. Review status: criteria provided, conflicting classifications (1 of 4 stars). 2 submissions from 2 submitters: Uncertain significance (1); Likely benign (1). Last evaluated 2023-12-28.

Conditions:
Cardiovascular phenotype. Identifiers: MedGen CN230736.
Dilated cardiomyopathy 1G (CMD1G). Identifiers: Orphanet 154, MedGen C1858763, MONDO:0011400, OMIM 604145.
Autosomal recessive limb-girdle muscular dystrophy type 2J (LGMDR10). Also called: Limb-girdle muscular dystrophy, type 2J; MUSCULAR DYSTROPHY, LIMB-GIRDLE, AUTOSOMAL RECESSIVE 10. Identifiers: Orphanet 140922, MedGen C1837342, MONDO:0012127, OMIM 608807.

Allele frequency attached by ClinVar (database versions not stated): gnomAD exomes below 0.00001.
gnomAD v4.1: 4 of 1,613,104 alleles (0.00025%); highest among the groups gnomAD compares: Non-Finnish European, 0.00034%; no homozygotes.

Submissions (2):

Ambry Genetics
Classification: Uncertain significance for Cardiovascular phenotype. Last evaluated: 2023-12-28. Review status: criteria provided, single submitter. Criteria: Ambry Variant Classification Scheme 2023. Collection method: clinical testing. Allele origin: germline.
Comment: The c.26085A>G variant (also known as p.E8695E), located in coding exon 104 of the TTN gene, results from an A to G substitution at nucleotide position 26085. This nucleotide substitution does not change the glutamic acid at codon 8695. This nucleotide position is not well conserved in available vertebrate species. In silico splice site analysis for this alteration is inconclusive. Since supporting evidence is limited at this time, the clinical significance of this alteration remains unclear.

Labcorp Genetics (formerly Invitae), Labcorp
Classification: Likely benign for Dilated cardiomyopathy 1G; Autosomal recessive limb-girdle muscular dystrophy type 2J. Last evaluated: 2023-02-03. Review status: criteria provided, single submitter. Criteria: Invitae Variant Classification Sherloc (09022015). Collection method: clinical testing. Allele origin: germline.